The following is an entry in ClinVar:

ClinVar aggregate classification (germline): Uncertain significance (1 of 4 stars; one submission).

Conditions:
Charcot-Marie-Tooth disease type 4B3. Also called: CHARCOT-MARIE-TOOTH DISEASE, DEMYELINATING, TYPE 4B3; Charcot-Marie-Tooth Neuropathy Type 4B3. Identifiers: Orphanet 363981, MedGen C3695063, MONDO:0014117, OMIM 615284.

Submission:

Kariminejad - Najmabadi Pathology & Genetics Center
Classification: Uncertain significance for Charcot-Marie-Tooth disease type 4B3. Last evaluated: 2024-06-27. Review status: criteria provided, single submitter. Criteria: ACMG Guidelines, 2015. Collection method: clinical testing. Allele origin: germline. Inheritance: Autosomal recessive inheritance. Affected: yes.
Comment: PM4_Moderate,PM2_Moderate

NM_002972.4(SBF1):c.5507_5509del (p.Ala1836del)

Gene: SBF1 (SET binding factor 1; minus strand). Cytogenetic location: 22q13.33.
Variant type: Deletion.
Coding change: c.5507_5509del on transcript NM_002972.4 (MANE Select); coding-DNA positions 5507 to 5509, 3 bases deleted (CGG; older notation c.5507_5509delCGG).
Protein change: p.Ala1836del; deletes alanine 1836.
Genome position (GRCh38, 1-based): chr22:50,447,396-50,447,398, CCG deleted on the plus strand (CGG on the coding strand, the reverse complement: SBF1 is on the minus strand); deleting any 3 consecutive bases within chr22:50,447,396-50,447,400 gives the same sequence; the c. name uses the placement nearest the transcript's 3' end. VCF-style (leftmost placement, unchanged base first): chr22-50447395-TCCG-T. GRCh37 (hg19) VCF-style: chr22-50885824-TCCG-T.
Other names: c.5432_5434del, p.Ala1811del (NM_001365819.1); c.5510_5512del, p.Ala1837del (NM_001410794.1); c.5429_5431del, p.Ala1810del (NM_001410795.1); short protein forms A1810del, A1811del, A1836del, A1837del.
Identifiers: ClinVar variation 3896981 (VCV003896981.1).
Genomic context (GRCh38, chr22:50,447,395, plus strand): 5'-TTCTCGTCCACAGTCTTAGGGGCACCCATAGTGGGCGTGCCAGGTGCCACAGCCTCCACC[TCCG>T]CCAAGTCGATGACACCCTTGCACTCTGTGTCCACACGGTGGTCGTAGTAGCGCAGCTGGA-3'